The following is an entry in ClinVar:

NM_016180.5(SLC45A2):c.298G>A (p.Gly100Ser)

Gene: SLC45A2 (solute carrier family 45 member 2; minus strand). Cytogenetic location: 5p13.2.
Variant type: single nucleotide variant.
Coding change: c.298G>A on transcript NM_016180.5 (MANE Select); coding-DNA position 298, G replaced by A.
Protein change: p.Gly100Ser; replaces glycine 100 with serine.
Molecular consequence: missense variant.
Genome position (GRCh38, 1-based): chr5:33,984,286, C>T on the plus strand (G>A on the coding strand, the complement: SLC45A2 is on the minus strand). VCF-style: chr5-33984286-C-T. GRCh37 (hg19) VCF-style: chr5-33984391-C-T.
Other names: c.298G>A, p.Gly100Ser (NM_001012509.4, NM_001297417.4); short protein forms G100S.
Identifiers: ClinVar variation 2734709 (VCV002734709.3), dbSNP rs1561375148, ClinGen allele CA359397411.

ClinVar aggregate classification (germline): Uncertain significance. Review status: criteria provided, multiple submitters, no conflicts (2 of 4 stars). 2 submissions from 2 submitters: Uncertain significance (2). Last evaluated 2024-10-22.

Allele frequency attached by ClinVar (database versions not stated): TOPMed 0.00001.
gnomAD v4.1: 3 of 1,614,168 alleles (0.00019%); highest among the groups gnomAD compares: Non-Finnish European, 0.00017%; no homozygotes.

Submissions (2):

Women's Health and Genetics/Laboratory Corporation of America, LabCorp
Classification: Uncertain significance. Last evaluated: 2024-10-22. Review status: criteria provided, single submitter. Criteria: LabCorp Variant Classification Summary - May 2015. Collection method: clinical testing. Allele origin: germline.
Comment: Variant summary: SLC45A2 c.298G>A (p.Gly100Ser) results in a non-conservative amino acid change in the encoded protein sequence. Five of five in-silico tools predict a damaging effect of the variant on protein function. The variant allele was found at a frequency of 4e-06 in 251252 control chromosomes. The available data on variant occurrences in the general population are insufficient to allow any conclusion about variant significance. c.298G>A has been reported in the literature in individuals affected with Oculocutaneous albinism (Hutton_2008, Mauri_2014). These report(s) do not provide unequivocal conclusions about association of the variant with Oculocutaneous albinism type 4. To our knowledge, no experimental evidence demonstrating an impact on protein function has been reported. The following publications have been ascertained in the context of this evaluation (PMID: 18463683, 24096233). ClinVar contains an entry for this variant (Variation ID: 2734709). Based on the evidence outlined above, the variant was classified as uncertain significance.

Labcorp Genetics (formerly Invitae), Labcorp
Classification: Uncertain significance. Last evaluated: 2023-10-23. Review status: criteria provided, single submitter. Criteria: Invitae Variant Classification Sherloc (09022015). Collection method: clinical testing. Allele origin: germline.
Comment: This sequence change replaces glycine, which is neutral and non-polar, with serine, which is neutral and polar, at codon 100 of the SLC45A2 protein (p.Gly100Ser). This variant is not present in population databases (gnomAD no frequency). This missense change has been observed in individual(s) with ocular albinism (PMID: 18463683, 24096233, 27734839). Advanced modeling of protein sequence and biophysical properties (such as structural, functional, and spatial information, amino acid conservation, physicochemical variation, residue mobility, and thermodynamic stability) performed at Invitae indicates that this missense variant is expected to disrupt SLC45A2 protein function with a positive predictive value of 80%. In summary, the available evidence is currently insufficient to determine the role of this variant in disease. Therefore, it has been classified as a Variant of Uncertain Significance.

Literature cited by the submitters: PubMed 18463683 (cited by Women's Health and Genetics/Laboratory Corporation of America, LabCorp and Labcorp Genetics (formerly Invitae), Labcorp); PubMed 24096233 (cited by Women's Health and Genetics/Laboratory Corporation of America, LabCorp and Labcorp Genetics (formerly Invitae), Labcorp); PubMed 27734839 (cited by Labcorp Genetics (formerly Invitae), Labcorp).